The following is an entry in ClinVar:

NM_024426.6(WT1):c.1388G>A (p.Arg463Gln)

Gene: WT1 (WT1 transcription factor; minus strand). Cytogenetic location: 11p13.
Variant type: single nucleotide variant.
Coding change: c.1388G>A on transcript NM_024426.6 (MANE Select); coding-DNA position 1388, G replaced by A.
Protein change: p.Arg463Gln; replaces arginine 463 with glutamine.
Molecular consequence: missense variant. On other transcripts: non-coding transcript variant (1).
Genome position (GRCh38, 1-based): chr11:32,392,031, C>T on the plus strand (G>A on the coding strand, the complement: WT1 is on the minus strand). VCF-style: chr11-32392031-C-T. GRCh37 (hg19) VCF-style: chr11-32413577-C-T.
Other names: c.1337G>A, p.Arg446Gln (NM_000378.6, NM_001407045.1); c.737G>A, p.Arg246Gln (NM_001198551.2); c.686G>A, p.Arg229Gln (NM_001198552.2); c.200G>A, p.Arg67Gln (NM_001367854.1); c.1382G>A, p.Arg461Gln (NM_001407044.1); c.1265G>A, p.Arg422Gln (NM_001407047.1); c.1247G>A, p.Arg416Gln (NM_001407048.1); c.1214G>A, p.Arg405Gln (NM_001407050.1); and 3 more; short protein forms R246Q, R463Q, R67Q, R446Q, R229Q, R405Q, R422Q, R209Q.
Identifiers: ClinVar variation 599100 (VCV000599100.26), dbSNP rs1037084691, ClinGen allele CA219474059.
Genomic context (GRCh38, chr11:32,392,031, plus strand): 5'-CTTGTTTTACCTGTATGAGTCCTGGTGTGGGTCTTCAGGTGGTCGGACCGGGAGAACTTT[C>T]GCTGACAAGTTTTACACTGGAATGGTTTCACACCTAAATGGACAGAGAAGGTCTAGCCTC-3'
Protein context (NP_077744.4, residues 453-473): VKPFQCKTCQ[Arg463Gln]KFSRSDHLKT

ClinVar aggregate classification (germline): Conflicting classifications of pathogenicity. Review status: criteria provided, conflicting classifications (1 of 4 stars). 12 submissions from 11 submitters: Pathogenic (6); Likely pathogenic (2); Uncertain significance (3). 1 of the submissions does not count toward it. Last evaluated 2025-11-12.

Conditions:
WT1-related disorder. Also called: WT1-related disorders. Identifiers: MedGen CN377814.
Drash syndrome (DDS). Also called: WILMS TUMOR AND PSEUDO- OR TRUE HERMAPHRODITISM; NEPHROPATHY, WILMS TUMOR, AND GENITAL ANOMALIES. Identifiers: Orphanet 220, MedGen C0950121, MONDO:0008682, OMIM 194080.
Wilms tumor 1 (WT1). Also called: Wilms tumor, somatic. Identifiers: Orphanet 654, MedGen CN033288, MONDO:0008679, OMIM 194070.
11p partial monosomy syndrome (WAGR). Also called: WAGR syndrome; WAGR Complex; CHROMOSOME 11p13 DELETION SYNDROME; WAGR Spectrum Disorder. Identifiers: Orphanet 893, MedGen C0206115, MONDO:0008681, OMIM 194072.
Frasier syndrome. Identifiers: Orphanet 347, MedGen C0950122, MeSH D052159, MONDO:0007635, OMIM 136680.
Meacham syndrome. Also called: Meacham Winn Culler syndrome. Identifiers: Orphanet 3097, MedGen C1837026, MONDO:0012164, OMIM 608978.
Mesothelioma, malignant (MESOM). Also called: Malignant mesothelioma (disease). Identifiers: Orphanet 50251, MedGen C0345967, MONDO:0006292, OMIM 156240, HP:0100001.
Nephrotic syndrome, type 4 (NPHS4). Also called: Familial mesangial sclerosis; Nephrotic syndrome, early onset with diffuse mesangial sclerosis. Identifiers: Orphanet 656, MedGen C3151568, MONDO:0009733, OMIM 256370.
Aniridia 1 (AN1). Identifiers: Orphanet 250923, MedGen C0344542, MONDO:0024507, OMIM 106210.
Focal segmental glomerulosclerosis (FSGS). Also called: Glomerulosclerosis, focal; Focal sclerosis with hyalinosis. Identifiers: MedGen C0017668, MONDO:0100313, HP:0000097. Disease mechanism: loss of function.

Submissions 1 to 8 of 12:

Labcorp Genetics (formerly Invitae), Labcorp
Classification: Uncertain significance for Wilms tumor 1; Drash syndrome; 11p partial monosomy syndrome; Frasier syndrome. Last evaluated: 2025-11-12. Review status: criteria provided, single submitter. Criteria: Invitae Variant Classification Sherloc (09022015). Collection method: clinical testing. Allele origin: germline.
Comment: This sequence change replaces arginine, which is basic and polar, with glutamine, which is neutral and polar, at codon 458 of the WT1 protein (p.Arg458Gln). This variant is not present in population databases (gnomAD no frequency). This missense change has been observed in individual(s) with disorder of sex development (DSD) and focal segmental glomerulosclerosis and steroid-resistant nephrotic syndrome (SRNS) (PMID: 25145932, 25383892, 30406062, 33226606, 34386660, 38219185). It has also been observed to segregate with disease in related individuals. This variant is also known as p.Arg463Gln. ClinVar contains an entry for this variant (Variation ID: 599100). Invitae Evidence Modeling of protein sequence and biophysical properties (such as structural, functional, and spatial information, amino acid conservation, physicochemical variation, residue mobility, and thermodynamic stability) has been performed for this missense variant. However, the output from this modeling did not meet the statistical confidence thresholds required to predict the impact of this variant on WT1 protein function. Experimental studies have shown that this missense change affects WT1 function (PMID: 25145932). In summary, the available evidence is currently insufficient to determine the role of this variant in disease. Therefore, it has been classified as a Variant of Uncertain Significance.

Victorian Clinical Genetics Services, Murdoch Childrens Research Institute
Classification: Pathogenic for Drash syndrome. Last evaluated: 2025-04-23. Review status: criteria provided, single submitter. Criteria: ACMG Guidelines, 2015. Collection method: clinical testing. Allele origin: germline. Affected: yes.
Comment: This variant is classified as Pathogenic. Evidence in support of pathogenic classification: Variant is absent from gnomAD (v2, v3 and v4); This variant has strong previous evidence of pathogenicity in unrelated individuals. This variant has been classified as pathogenic, and as a VUS, by multiple clinical laboratories in ClinVar. This variant has also been reported in the literature in individuals with renal phenotypes OR disorders of sex development (DSD) (PMID: 38219185, 34727091, 25383892, 25145932); Variant is located in a hotspot region or cluster of PATHOGENIC variants (DECIPHER); Missense variant predicted to be damaging by in silico tool(s) or highly conserved with a major amino acid change. Additional information: Variant is predicted to result in a missense amino acid change from arginine to glutamine; This variant is heterozygous; This gene is associated with autosomal dominant disease; Dominant negative is a known mechanism of disease in this gene and is associated with Denys-Drash syndrome (MIM#194080); Frasier syndrome (MIM#136680); Meacham syndrome (MIM#608978) and nephrotic syndrome, type 4 (MIM#256370). ClinGen has lumped the congenital malformation syndromes associated with the WT1 gene into the MONDO term, Denys-Drash syndrome (MONDO:0008682). Missense variants in exons 8 and 9 are associated with congenital nephrotic syndrome and disorders of sex development (PMID: 32352694). Loss of function is also a known mechanism of disease in this gene and is associated with Wilms tumour, type 1 (MIM#194070); Variants in this gene are known to have variable expressivity (PMID: 34727091, 32352694); Inheritance information for this variant is not currently available in this individual.

MVZ Medizinische Genetik Mainz
Classification: Pathogenic for Nephrotic syndrome, type 4. Last evaluated: 2024-11-18. Review status: criteria provided, single submitter. Criteria: UK Practice Guidelines For Variant Classification V4 01 2020. Collection method: clinical testing. Allele origin: germline. Inheritance: Autosomal dominant inheritance. Affected: yes. Observed: 1 variant allele.
Comment: ACMG Criteria: PS3,PS4,PM1,PM2_SUP,PP2,PP3

Fulgent Genetics
Classification: Pathogenic for Frasier syndrome; Mesothelioma, malignant; Wilms tumor 1; Drash syndrome; Nephrotic syndrome, type 4; Meacham syndrome. Last evaluated: 2024-06-21. Review status: criteria provided, single submitter. Criteria: ACMG Guidelines, 2015. Collection method: clinical testing. Allele origin: germline.

All of Us Research Program, National Institutes of Health
Classification: Uncertain significance for Wilms tumor 1. Last evaluated: 2024-05-14. Review status: criteria provided, single submitter. Criteria: ACMG Guidelines, 2015. Collection method: clinical testing. Allele origin: germline. Inheritance: Autosomal dominant inheritance. Observed: 1 variant allele, 1 heterozygote.
Comment: This missense variant replaces arginine with glutamine at codon 458 of the WT1 protein. Computational prediction suggests that this variant may have deleterious impact on protein structure and function. To our knowledge, functional studies have not been reported for this variant in tumorigenesis. A functional study using a zebrafish model has reported that this variant resulted in nephrosis and misregulation of podocyte genes and in increased apoptosis when overexpressed in HEK293 cells (PMID: 25145932). This variant has been reported in multiple individuals affected with nephrotic and/or sexual development disorders (PMID: 25145932, 25383892, 25349199, 30406062, 33226606, 34727091, 38219185). Only one family reported a tumor or cancer phenotype, in which two siblings carrying a heterozygous copy of this variant were affected with characteristics of sexual development disorder and gonadoblastoma without personal nor family history of Wilms tumor (PMID: 34727091). This variant has not been identified in the general population by the Genome Aggregation Database (gnomAD). The available evidence is insufficient to determine the role of this variant in disease conclusively. Therefore, this variant is classified as a Variant of Uncertain Significance.

This study involves interpretation of variants in research participants for the purpose of population health screening. Participant phenotype was not available at the time of variant classification. Additional details can be found in publication PMID: 35346344, PMCID: PMC8962531

GeneDx
Classification: Likely pathogenic. Last evaluated: 2023-09-22. Review status: criteria provided, single submitter. Criteria: GeneDx Variant Classification Process June 2021. Collection method: clinical testing. Allele origin: germline. Affected: yes.
Comment: Published functional studies demonstrate the R48Q variant leads to decreased luciferase activity compared to wildtype, hinders DNA binding ability and causes an increase in apoptosis (PMID: 25145932, 34386660); Not observed at significant frequency in large population cohorts (gnomAD); In silico analysis supports that this missense variant has a deleterious effect on protein structure/function; This variant is associated with the following publications: (PMID: 25145932, 35561789, 33226606, 29556761, 30406062, 25349199, 34386660, 25383892, 34727091)

MGZ Medical Genetics Center
Classification: Likely pathogenic for Nephrotic syndrome, type 4. Last evaluated: 2022-07-25. Review status: criteria provided, single submitter. Criteria: ACMG Guidelines, 2015. Collection method: clinical testing. Allele origin: germline. Affected: yes. Observed: 1 variant allele.
Comment: ACMG criteria applied: PS4_MOD, PM1, PS3_SUP, PM2_SUP, PP1, BP4

Blueprint Genetics
Classification: Pathogenic for WT1-related disorders. Last evaluated: 2022-01-25. Review status: criteria provided, single submitter. Criteria: ACMG Guidelines, 2015. Collection method: clinical testing. Allele origin: germline. Affected: yes. Observed: 2 variant alleles.